The following is an entry in ClinVar:

ClinVar aggregate classification (germline): Pathogenic/Likely pathogenic. Review status: criteria provided, multiple submitters, no conflicts (2 of 4 stars). 2 submissions from 2 submitters: Pathogenic (1); Likely pathogenic (1). Last evaluated 2023-07-01.

Conditions:
Brain small vessel disease 1 with or without ocular anomalies (BSVD1). Also called: PORENCEPHALY, TYPE 1, AUTOSOMAL DOMINANT; BRAIN SMALL VESSEL DISEASE WITH HEMORRHAGE; Brain small vessel disease with or without ocular anomalies; GOULD SYNDROME 1. Identifiers: Orphanet 2940, Orphanet 36383, Orphanet 99810, MedGen C4755307, MONDO:0008289, OMIM 175780.

Submissions (2):

CeGaT Center for Human Genetics Tuebingen
Classification: Likely pathogenic. Last evaluated: 2023-07-01. Review status: criteria provided, single submitter. Criteria: CeGaT Center For Human Genetics Tuebingen Variant Classification Criteria Version 2. Collection method: clinical testing. Allele origin: germline. Affected: yes. Observed: 3 variant alleles.
Comment: COL4A1: PM1:Strong, PM2, PP3

Institute of Human Genetics, University of Leipzig Medical Center
Classification: Pathogenic for Brain small vessel disease 1 with or without ocular anomalies. Last evaluated: 2023-04-18. Review status: criteria provided, single submitter. Criteria: ACMG Guidelines, 2015. Collection method: clinical testing. Allele origin: de novo. Inheritance: Autosomal dominant inheritance. Affected: yes.
Comment: Criteria applied: PS2,PM1_STR,PM2_SUP,PP3

NM_001845.6(COL4A1):c.2959G>A (p.Gly987Arg)

Gene: COL4A1 (collagen type IV alpha 1 chain; minus strand). Cytogenetic location: 13q34.
Variant type: single nucleotide variant.
Coding change: c.2959G>A on transcript NM_001845.6 (MANE Select); coding-DNA position 2959, G replaced by A.
Protein change: p.Gly987Arg; replaces glycine 987 with arginine.
Molecular consequence: missense variant.
Genome position (GRCh38, 1-based): chr13:110,176,635, C>T on the plus strand (G>A on the coding strand, the complement: COL4A1 is on the minus strand). VCF-style: chr13-110176635-C-T. GRCh37 (hg19) VCF-style: chr13-110828982-C-T.
Other names: short protein forms G987R.
Identifiers: ClinVar variation 623829 (VCV000623829.46), dbSNP rs1566351456, ClinGen allele CA388666130.